The following is an entry in ClinVar:

NM_173076.3(ABCA12):c.2945A>C (p.Lys982Thr)

Gene: ABCA12 (ATP binding cassette subfamily A member 12; minus strand). Cytogenetic location: 2q35.
Variant type: single nucleotide variant.
Coding change: c.2945A>C on transcript NM_173076.3 (MANE Select); coding-DNA position 2945, A replaced by C.
Protein change: p.Lys982Thr; replaces lysine 982 with threonine.
Molecular consequence: missense variant. On other transcripts: non-coding transcript variant (1).
Genome position (GRCh38, 1-based): chr2:215,000,939, T>G on the plus strand (A>C on the coding strand, the complement: ABCA12 is on the minus strand). VCF-style: chr2-215000939-T-G. GRCh37 (hg19) VCF-style: chr2-215865663-T-G.
Other names: c.1991A>C, p.Lys664Thr (NM_015657.4); short protein forms K982T, K664T.
Identifiers: ClinVar variation 334253 (VCV000334253.15), dbSNP rs142196906, ClinGen allele CA2091836.

ClinVar aggregate classification (germline): Conflicting classifications of pathogenicity. Review status: criteria provided, conflicting classifications (1 of 4 stars). 4 submissions from 4 submitters: Uncertain significance (3); Likely benign (1). Last evaluated 2026-01-29.

Conditions:
Inborn genetic diseases. Identifiers: MedGen C0950123, MeSH D030342.
Congenital ichthyosis of skin. Identifiers: MedGen C0020758.

Allele frequency attached by ClinVar (database versions not stated): 1000 Genomes Project 30x 0.00016; 1000 Genomes Project 0.00020; gnomAD 0.00037 and 0.00044; TOPMed 0.00047; ESP Exome Variant Server 0.00062.
gnomAD v4.1: 1,063 of 1,614,024 alleles (0.066%); highest among the groups gnomAD compares: South Asian, 0.1%; 3 homozygotes.

Submissions (4):

Labcorp Genetics (formerly Invitae), Labcorp
Classification: Likely benign. Last evaluated: 2026-01-29. Review status: criteria provided, single submitter. Criteria: Invitae Variant Classification Sherloc (09022015). Collection method: clinical testing. Allele origin: germline.

Ambry Genetics
Classification: Uncertain significance for Inborn genetic diseases. Last evaluated: 2021-07-14. Review status: criteria provided, single submitter. Criteria: Ambry Variant Classification Scheme 2023. Collection method: clinical testing. Allele origin: germline.

Illumina Laboratory Services, Illumina
Classification: Uncertain significance for Congenital ichthyosis of skin. Last evaluated: 2018-01-13. Review status: criteria provided, single submitter. Criteria: ICSL Variant Classification Criteria 13 December 2019. Collection method: clinical testing. Allele origin: germline.

GeneDx
Classification: Uncertain significance. Last evaluated: 2017-01-11. Review status: criteria provided, single submitter. Criteria: GeneDx Variant Classification (06012015). Collection method: clinical testing. Allele origin: germline. Affected: yes.
Comment: A variant of uncertain significance has been identified in the ABCA12 gene. To our knowledge, the K982T variant has not been published as a pathogenic variant, nor has it been reported as a benign variant. It was not observed at any significant frequency in approximately 6,500 individuals of European and African American ancestry by the NHLBI Exome Sequencing Project. K982T is a semi-conservative amino acid substitution, which may impact secondary protein structure as these residues differ in some properties. However, this substitution occurs at a position that is not conserved and in silico analysis predicts this variant likely does not alter the protein structure/function. Therefore, based on the currently available information, it is unclear whether this variant is a pathogenic variant or a rare benign variant.